The following is an entry in ClinVar:

ClinVar aggregate classification (germline): Uncertain significance (1 of 4 stars; one submission).

Conditions:
PLXNA4-related disorder. Also called: PLXNA4-related condition.

gnomAD v4.1: 4 of 1,614,190 alleles (0.00025%); highest among the groups gnomAD compares: Admixed American, 0.0017%; no homozygotes.

Submission:

PreventionGenetics, part of Exact Sciences
Classification: Uncertain significance for PLXNA4-related condition. Last evaluated: 2025-07-20. Review status: criteria provided, single submitter. Criteria: ACMG Guidelines, 2015. Collection method: clinical testing. Allele origin: germline.
Comment: The PLXNA4 c.3604G>A variant is predicted to result in the amino acid substitution p.Glu1202Lys. To our knowledge, this variant has not been reported in the literature. This variant is reported in 0.0029% of alleles in individuals of Latino descent in gnomAD. At this time, the clinical significance of this variant is uncertain due to the absence of conclusive functional and genetic evidence.

NM_020911.2(PLXNA4):c.3604G>A (p.Glu1202Lys)

Gene: PLXNA4 (plexin A4; minus strand). Cytogenetic location: 7q32.3.
Variant type: single nucleotide variant.
Coding change: c.3604G>A on transcript NM_020911.2 (MANE Select); coding-DNA position 3604, G replaced by A.
Protein change: p.Glu1202Lys; replaces glutamic acid 1202 with lysine.
Molecular consequence: missense variant.
Genome position (GRCh38, 1-based): chr7:132,180,621, C>T on the plus strand (G>A on the coding strand, the complement: PLXNA4 is on the minus strand). VCF-style: chr7-132180621-C-T. GRCh37 (hg19) VCF-style: chr7-131865380-C-T.
Other names: c.3604G>A, p.Glu1202Lys (NM_001393897.1); short protein forms E1202K.
Identifiers: ClinVar variation 4985859 (VCV004985859.1).
Genomic context (GRCh38, chr7:132,180,621, plus strand): 5'-CAGGATGGGGTTCTGCCAGCCTCACCATCACTTTGTGCCTGCCGATGAGGTTGGGGGACT[C>T]GCAGAGCAGCTGGACATCTGACACGGTCACGGTGCACGGCTTCTCCCCAACCAGCACAGT-3'
Protein context (NP_065962.1, residues 1192-1212): VTVSDVQLLC[Glu1202Lys]SPNLIGRHKV